The following is an entry in ClinVar:

ClinVar aggregate classification (germline): Uncertain significance (1 of 4 stars; one submission).

Conditions:
Developmental delay with or without dysmorphic facies and autism. Identifiers: MedGen C5193106, MONDO:0032760, OMIM 618454.

Submission:

Foundation for Research in Genetics and Endocrinology, FRIGE's Institute of Human Genetics
Classification: Uncertain significance for Developmental delay with or without dysmorphic facies and autism. Last evaluated: 2025-05-12. Review status: criteria provided, single submitter. Criteria: ACMG Guidelines, 2015. Collection method: clinical testing. Allele origin: germline. Inheritance: Autosomal dominant inheritance. Affected: yes. Observed: 1 heterozygote.
Comment: A heterozygous missense variant in exon 26 of the TRRAP gene that results in the amino acid substitution of Arginine for Proline at codon 1220 (p.Pro1220Arg) was detected. The p.Pro1220Arg variant has not been reported in the 1000 genomes, gnomAD (v3.1), gnomAD (v2.1) and topmed databases. The in-silico predictions of the variant is damaging by SIFT and LRT. The reference codon is conserved across species. In summary, the variant meets our criteria to be classified as variant of uncertain significance.

NM_001375524.1(TRRAP):c.3659C>G (p.Pro1220Arg)

Gene: TRRAP (transformation/transcription domain associated protein; plus strand). Cytogenetic location: 7q22.1.
Variant type: single nucleotide variant.
Coding change: c.3659C>G on transcript NM_001375524.1 (MANE Select); coding-DNA position 3659, C replaced by G.
Protein change: p.Pro1220Arg; replaces proline 1220 with arginine.
Molecular consequence: missense variant.
Genome position (GRCh38, 1-based): chr7:98,931,472, C>G. VCF-style: chr7-98931472-C-G. GRCh37 (hg19) VCF-style: chr7-98529095-C-G.
Other names: p.Pro1220Arg; c.3659C>G, p.Pro1220Arg (NM_001244580.2, NM_003496.4); short protein forms P1220R.
Identifiers: ClinVar variation 3901850 (VCV003901850.1).